The following is an entry in ClinVar:

ClinVar aggregate classification (germline): Conflicting classifications of pathogenicity. Review status: criteria provided, conflicting classifications (1 of 4 stars). 2 submissions from 2 submitters: Uncertain significance (1); Likely benign (1). Last evaluated 2025-05-05.

Conditions:
Cardiovascular phenotype. Identifiers: MedGen CN230736.
Progressive familial heart block type IB (PFHB1B). Identifiers: Orphanet 871, MedGen C1970298, MONDO:0011474, OMIM 604559.

Submissions (2):

Ambry Genetics
Classification: Likely benign for Cardiovascular phenotype. Last evaluated: 2025-05-05. Review status: criteria provided, single submitter. Criteria: Ambry Variant Classification Scheme 2023. Collection method: clinical testing. Allele origin: germline.

Labcorp Genetics (formerly Invitae), Labcorp
Classification: Uncertain significance for Progressive familial heart block type IB. Last evaluated: 2024-05-22. Review status: criteria provided, single submitter. Criteria: Invitae Variant Classification Sherloc (09022015). Collection method: clinical testing. Allele origin: germline.
Comment: This sequence change replaces histidine, which is basic and polar, with tyrosine, which is neutral and polar, at codon 774 of the TRPM4 protein (p.His774Tyr). This variant is not present in population databases (gnomAD no frequency). This missense change has been observed in individual(s) with TRPM4 associated conditions (PMID: 32508047). An algorithm developed to predict the effect of missense changes on protein structure and function (PolyPhen-2) suggests that this variant is likely to be tolerated. In summary, the available evidence is currently insufficient to determine the role of this variant in disease. Therefore, it has been classified as a Variant of Uncertain Significance.

Literature cited by the submitters: PubMed 32508047 (cited by Labcorp Genetics (formerly Invitae), Labcorp).

NM_017636.4(TRPM4):c.2320C>T (p.His774Tyr)

Gene: TRPM4 (transient receptor potential cation channel subfamily M member 4; plus strand). Cytogenetic location: 19q13.33.
Variant type: single nucleotide variant.
Coding change: c.2320C>T on transcript NM_017636.4 (MANE Select); coding-DNA position 2320, C replaced by T.
Protein change: p.His774Tyr; replaces histidine 774 with tyrosine.
Molecular consequence: missense variant. On other transcripts: intron variant (1).
Genome position (GRCh38, 1-based): chr19:49,196,549, C>T. VCF-style: chr19-49196549-C-T. GRCh37 (hg19) VCF-style: chr19-49699806-C-T.
Other names: c.2320C>T (NM_017636.3); c.1975C>T, p.His659Tyr (NM_001321281.2); c.712C>T, p.His238Tyr (NM_001321282.2); c.1798C>T, p.His600Tyr (NM_001321283.2); c.1258C>T, p.His420Tyr (NM_001321285.2); c.2211-3751C>T (NM_001195227.2); short protein forms H238Y, H420Y, H659Y, H600Y, H774Y.
Identifiers: ClinVar variation 2755914 (VCV002755914.4), dbSNP rs2514177898, ClinGen allele CA406808843.